The following is an entry in ClinVar:

NM_000051.4(ATM):c.315C>T (p.Ile105=)

Gene: ATM (ATM serine/threonine kinase; plus strand). Cytogenetic location: 11q22.3.
Variant type: single nucleotide variant.
Coding change: c.315C>T on transcript NM_000051.4 (MANE Select); coding-DNA position 315, C replaced by T.
Protein change: p.Ile105=; no amino-acid change (isoleucine 105 retained).
Molecular consequence: synonymous variant.
Genome position (GRCh38, 1-based): chr11:108,229,307, C>T. VCF-style: chr11-108229307-C-T. GRCh37 (hg19) VCF-style: chr11-108100034-C-T.
Other names: c.315C>T, p.Ile105= (NM_001351834.2, NM_001351835.2, NM_001351836.2).
Identifiers: ClinVar variation 385849 (VCV000385849.9), dbSNP rs1057522344, ClinGen allele CA16605754.

ClinVar aggregate classification (germline): Likely benign. Review status: criteria provided, multiple submitters, no conflicts (2 of 4 stars). 3 submissions from 3 submitters: Likely benign (3). Last evaluated 2024-11-11.

Conditions:
Hereditary cancer-predisposing syndrome. Also called: Neoplastic Syndromes, Hereditary; Hereditary neoplastic syndrome; Tumor predisposition; Hereditary Cancer Syndrome. Identifiers: Orphanet 140162, MedGen C0027672, MeSH D009386, MONDO:0015356.
Ataxia-telangiectasia syndrome (AT). Also called: AT, COMPLEMENTATION GROUP C; ATAXIA-TELANGIECTASIA, COMPLEMENTATION GROUP A; ATAXIA-TELANGIECTASIA, FRESNO VARIANT; LOUIS-BAR SYNDROME; Ataxia-telangiectasia; Cerebello-oculocutaneous telangiectasia. Identifiers: Orphanet 100, MedGen C0004135, MONDO:0008840, OMIM 208900.

Submissions (3):

Ambry Genetics
Classification: Likely benign for Hereditary cancer-predisposing syndrome. Last evaluated: 2024-11-11. Review status: criteria provided, single submitter. Criteria: Ambry Variant Classification Scheme 2023. Collection method: clinical testing. Allele origin: germline.

Labcorp Genetics (formerly Invitae), Labcorp
Classification: Likely benign for Ataxia-telangiectasia syndrome. Last evaluated: 2022-11-25. Review status: criteria provided, single submitter. Criteria: Invitae Variant Classification Sherloc (09022015). Collection method: clinical testing. Allele origin: germline.

GeneDx
Classification: Likely benign. Last evaluated: 2017-11-20. Review status: criteria provided, single submitter. Criteria: GeneDx Variant Classification (06012015). Collection method: clinical testing. Allele origin: germline. Affected: yes.
Comment: This variant is considered likely benign or benign based on one or more of the following criteria: it is a conservative change, it occurs at a poorly conserved position in the protein, it is predicted to be benign by multiple in silico algorithms, and/or has population frequency not consistent with disease.